The following is an entry in ClinVar:

NM_031418.4(ANO3):c.432+4A>G

Gene: ANO3 (anoctamin 3; plus strand). Cytogenetic location: 11p14.2.
Variant type: single nucleotide variant.
Coding change: c.432+4A>G on transcript NM_031418.4 (MANE Select); 4 bases into the intron after coding-DNA position 432, A replaced by G.
Molecular consequence: intron variant.
Genome position (GRCh38, 1-based): chr11:26,463,152, A>G. VCF-style: chr11-26463152-A-G. GRCh37 (hg19) VCF-style: chr11-26484699-A-G.
Other names: c.615+4A>G (NM_001313726.2).
Identifiers: ClinVar variation 1176565 (VCV001176565.38), dbSNP rs1301925099, ClinGen allele CA598194659.

ClinVar aggregate classification (germline): Uncertain significance. Review status: criteria provided, multiple submitters, no conflicts (2 of 4 stars). 2 submissions from 2 submitters: Uncertain significance (2). Last evaluated 2024-10-26.

Conditions:
Dystonic disorder. Also called: Dystonia. Identifiers: MedGen C0013421, MONDO:0003441, HP:0001332.

Allele frequency attached by ClinVar (database versions not stated): TOPMed below 0.00001; gnomAD exomes 0.00001.
gnomAD v4.1: 5 of 1,413,934 alleles (0.00035%); highest among the groups gnomAD compares: Non-Finnish European, 0.00049%; no homozygotes.

Submissions (2):

Labcorp Genetics (formerly Invitae), Labcorp
Classification: Uncertain significance for Dystonic disorder. Last evaluated: 2024-10-26. Review status: criteria provided, single submitter. Criteria: Invitae Variant Classification Sherloc (09022015). Collection method: clinical testing. Allele origin: germline.
Comment: This sequence change falls in intron 4 of the ANO3 gene. It does not directly change the encoded amino acid sequence of the ANO3 protein. It affects a nucleotide within the consensus splice site. This variant is present in population databases (no rsID available, gnomAD 0.002%). This variant has not been reported in the literature in individuals affected with ANO3-related conditions. ClinVar contains an entry for this variant (Variation ID: 1176565). Variants that disrupt the consensus splice site are a relatively common cause of aberrant splicing (PMID: 17576681, 9536098). Algorithms developed to predict the effect of sequence changes on RNA splicing suggest that this variant is not likely to affect RNA splicing. In summary, the available evidence is currently insufficient to determine the role of this variant in disease. Therefore, it has been classified as a Variant of Uncertain Significance.

CeGaT Center for Human Genetics Tuebingen
Classification: Uncertain significance. Last evaluated: 2021-05-01. Review status: criteria provided, single submitter. Criteria: CeGaT Center For Human Genetics Tuebingen Variant Classification Criteria Version 2. Collection method: clinical testing. Allele origin: germline. Affected: yes. Observed: 1 variant allele.

Literature cited by the submitters: PubMed 17576681 (cited by Labcorp Genetics (formerly Invitae), Labcorp); PubMed 9536098 (cited by Labcorp Genetics (formerly Invitae), Labcorp).